The following is an entry in ClinVar:

NM_000219.6(KCNE1):c.334C>A (p.His112Asn)

Gene: KCNE1 (potassium voltage-gated channel subfamily E regulatory subunit 1; minus strand). Cytogenetic location: 21q22.12.
Variant type: single nucleotide variant.
Coding change: c.334C>A on transcript NM_000219.6 (MANE Select); coding-DNA position 334, C replaced by A.
Protein change: p.His112Asn; replaces histidine 112 with asparagine.
Molecular consequence: missense variant.
Genome position (GRCh38, 1-based): chr21:34,449,301, G>T on the plus strand (C>A on the coding strand, the complement: KCNE1 is on the minus strand). VCF-style: chr21-34449301-G-T. GRCh37 (hg19) VCF-style: chr21-35821599-G-T.
Other names: c.334C>A, p.His112Asn (NM_001127668.4, NM_001127669.4, NM_001127670.4 and 4 more transcripts); short protein forms H112N.
Identifiers: ClinVar variation 3374669 (VCV003374669.2).

Conditions:
Long QT syndrome 5 (LQT5). Identifiers: Orphanet 101016, Orphanet 768, MedGen C1867904, MONDO:0013372, OMIM 613695.

Submission:

Roden Lab, Vanderbilt University Medical Center
No classification provided (evidence only). Condition: Long QT syndrome 5. Review status: no classification provided. Collection method: in vitro. Allele origin: not applicable. Functional consequence: Effect on ion channel function.
ClinVar note: "not provided" was previously submitted as the classification for the variant. However, the classification appeared to be based only on an observation of functional data so it was converted to no classification on 2025-07-30.